The following is an entry in ClinVar:

ClinVar aggregate classification (germline): Uncertain significance. Review status: criteria provided, multiple submitters, no conflicts (2 of 4 stars). 4 submissions from 4 submitters: Uncertain significance (4). Last evaluated 2026-10-01.

Conditions:
Inborn genetic diseases. Identifiers: MedGen C0950123, MeSH D030342.

Allele frequency attached by ClinVar (database versions not stated): gnomAD exomes 0.00007 and 0.00017; ExAC 0.00014; gnomAD 0.00002; TOPMed 0.00007.
gnomAD v4.1: 46 of 1,614,090 alleles (0.0028%); highest among the groups gnomAD compares: Admixed American, 0.077%; no homozygotes.

Submissions (4):

GeneDx
Classification: Uncertain significance. Last evaluated: 2026-10-01. Review status: criteria provided, single submitter. Criteria: GeneDx Variant Classification Process June 2021. Collection method: clinical testing. Allele origin: germline.
Comment: See Variant Classification Assertion Criteria.

Ambry Genetics
Classification: Uncertain significance for Inborn genetic diseases. Last evaluated: 2025-01-31. Review status: criteria provided, single submitter. Criteria: Ambry Variant Classification Scheme 2023. Collection method: clinical testing. Allele origin: germline.

Labcorp Genetics (formerly Invitae), Labcorp
Classification: Uncertain significance. Last evaluated: 2024-01-08. Review status: criteria provided, single submitter. Criteria: Invitae Variant Classification Sherloc (09022015). Collection method: clinical testing. Allele origin: germline.
Comment: This sequence change replaces isoleucine, which is neutral and non-polar, with methionine, which is neutral and non-polar, at codon 311 of the COX15 protein (p.Ile311Met). This variant is present in population databases (rs556026559, gnomAD 0.1%). This variant has not been reported in the literature in individuals affected with COX15-related conditions. ClinVar contains an entry for this variant (Variation ID: 377748). An algorithm developed to predict the effect of missense changes on protein structure and function (PolyPhen-2) suggests that this variant¬†is likely to be tolerated. In summary, the available evidence is currently insufficient to determine the role of this variant in disease. Therefore, it has been classified as a Variant of Uncertain Significance.

Eurofins Ntd Llc (ga)
Classification: Uncertain significance. Last evaluated: 2017-08-09. Review status: criteria provided, single submitter. Criteria: EGL Classification Definitions 2015. Collection method: clinical testing. Allele origin: germline. Observed: 1 variant allele, 1 heterozygote.

NM_078470.6(COX15):c.933C>G (p.Ile311Met)

Gene: COX15 (cytochrome c oxidase assembly factor COX15; minus strand). Cytogenetic location: 10q24.2.
Variant type: single nucleotide variant.
Coding change: c.933C>G on transcript NM_078470.6 (MANE Select); coding-DNA position 933, C replaced by G.
Protein change: p.Ile311Met; replaces isoleucine 311 with methionine.
Molecular consequence: missense variant. On other transcripts: intron variant (2).
Genome position (GRCh38, 1-based): chr10:99,718,400, G>C on the plus strand (C>G on the coding strand, the complement: COX15 is on the minus strand). VCF-style: chr10-99718400-G-C. GRCh37 (hg19) VCF-style: chr10-101478157-G-C.
Other names: c.933C>G, p.Ile311Met (NM_001320974.2, NM_001372024.1, NM_001372025.1 and 2 more transcripts); c.396C>G, p.Ile132Met (NM_001320976.2); c.906C>G, p.Ile302Met (NM_001372026.1); c.833-1939C>G (NM_001372028.1, NM_001320975.2); short protein forms I311M, I132M, I302M.
Identifiers: ClinVar variation 377748 (VCV000377748.11), dbSNP rs556026559, ClinGen allele CA5642131.
Genomic context (GRCh38, chr10:99,718,400, plus strand): 5'-ACTTACCAGAATCCGGTGATCAAACTGCACCATGGTGGGATTCTCAAAAACATTCCTCAG[G>C]ATGGGGGAGAAGGTAAAGAGGTCCTCCGGGATCCAGGATTCTCCCATTTTGGGAAAGGAG-3'
Protein context (NP_510870.1, residues 301-321): IPEDLFTFSP[Ile311Met]LRNVFENPTM